The following is an entry in ClinVar:

NM_000141.5(FGFR2):c.910G>A (p.Asp304Asn)

Gene: FGFR2 (fibroblast growth factor receptor 2; minus strand). Cytogenetic location: 10q26.13.
Variant type: single nucleotide variant.
Coding change: c.910G>A on transcript NM_000141.5 (MANE Select); coding-DNA position 910, G replaced by A.
Protein change: p.Asp304Asn; replaces aspartic acid 304 with asparagine.
Molecular consequence: missense variant. On other transcripts: non-coding transcript variant (1), intron variant (1).
Genome position (GRCh38, 1-based): chr10:121,520,008, C>T on the plus strand (G>A on the coding strand, the complement: FGFR2 is on the minus strand). VCF-style: chr10-121520008-C-T. GRCh37 (hg19) VCF-style: chr10-123279522-C-T.
Other names: c.910G>A, p.Asp304Asn (NM_001144913.1, NM_001144917.2, NM_001320658.2 and 1 more transcripts); c.643G>A, p.Asp215Asn (NM_001144915.2, NM_001144919.2, NM_023029.3); c.565G>A, p.Asp189Asn (NM_001144916.2, NM_001144918.2); c.226G>A, p.Asp76Asn (NM_001320654.2); c.749-4689G>A (NM_001144914.1); short protein forms D304N, D76N, D189N, D215N.
Identifiers: ClinVar variation 566306 (VCV000566306.12), dbSNP rs370877537, ClinGen allele CA5720973.

ClinVar aggregate classification (germline): Uncertain significance. Review status: criteria provided, multiple submitters, no conflicts (2 of 4 stars). 2 submissions from 2 submitters: Uncertain significance (2). Last evaluated 2025-01-20.

Conditions:
FGFR2-related craniosynostosis. Identifiers: MedGen CN231480.
Beare-Stevenson cutis gyrata syndrome (BSTVS). Identifiers: Orphanet 1555, MedGen C1852406, MONDO:0007412, OMIM 123790.
Bent bone dysplasia syndrome 1 (BBDS1). Also called: FGFR2-related bent bone dysplasia. Identifiers: Orphanet 313855, MedGen C3281247, MONDO:0013815, OMIM 614592.
Jackson-Weiss syndrome (JWS). Also called: CRANIOSYNOSTOSIS, MIDFACIAL HYPOPLASIA, AND FOOT ABNORMALITIES. Identifiers: Orphanet 1540, MedGen C0795998, MONDO:0007400, OMIM 123150. Disease mechanism: loss of function.
Gastric cancer. Also called: Stomach cancer; Malignant tumor of stomach. Identifiers: MedGen C0024623, MeSH D013274, MONDO:0001056, OMIM 613659, HP:0012126.
Acrocephalosyndactyly type I (ACS1). Also called: Apert syndrome; Acrocephalo-syndactyly type 1; ACS 1; Syndactylic oxycephaly. Identifiers: Orphanet 87, MedGen C0001193, MONDO:0007041, OMIM 101200.
Pfeiffer syndrome (ACS5). Also called: ACS V. Identifiers: Orphanet 710, MedGen C0220658, MONDO:0007043, OMIM 101600.
Levy-Hollister syndrome (LADD). Also called: LADD syndrome. Identifiers: Orphanet 2363, MedGen C0265269, MONDO:0007872.
Antley-Bixler syndrome without genital anomalies or disordered steroidogenesis (ABS2). Also called: MULTISYNOSTOTIC OSTEODYSGENESIS WITH LONG BONE FRACTURES; Antley-Bixler Syndrome, Autosomal Dominant; Trapezoidocephaly synostosis syndrome; Osteodysgenesis, multisynostotic with fractures. Identifiers: Orphanet 596008, Orphanet 83, MedGen C2936791, MONDO:0020667, OMIM 207410.
Crouzon syndrome. Also called: CRANIOFACIAL DYSOSTOSIS, TYPE I; Craniofacial dysostosis type 1; Crouzon craniofacial dysostosis; Crouzon disease; Craniofacial dysostosis. Identifiers: Orphanet 207, MedGen C0010273, MeSH D003394, MONDO:0007405, OMIM 123500, HP:0004439.
Saethre-Chotzen syndrome (SCS). Also called: ACROCEPHALY, SKULL ASYMMETRY, AND MILD SYNDACTYLY; ACS III; CHOTZEN SYNDROME. Identifiers: Orphanet 794, MedGen C0175699, MONDO:0007042, OMIM 101400.
Familial scaphocephaly syndrome, McGillivray type. Also called: SCAPHOCEPHALY, MAXILLARY RETRUSION, AND IMPAIRED INTELLECTUAL DEVELOPMENT. Identifiers: Orphanet 168624, MedGen C1865070, MONDO:0012307, OMIM 609579.

Allele frequency attached by ClinVar (database versions not stated): ExAC 0.00001; gnomAD 0.00001 and 0.00002; gnomAD exomes 0.00001 and 0.00002; TOPMed 0.00003; ESP Exome Variant Server 0.00008.
gnomAD v4.1: 34 of 1,614,198 alleles (0.0021%); highest among the groups gnomAD compares: Non-Finnish European, 0.0027%; no homozygotes.

Submissions (2):

Labcorp Genetics (formerly Invitae), Labcorp
Classification: Uncertain significance for FGFR2-related craniosynostosis. Last evaluated: 2025-01-20. Review status: criteria provided, single submitter. Criteria: Invitae Variant Classification Sherloc (09022015). Collection method: clinical testing. Allele origin: germline.
Comment: This sequence change replaces aspartic acid, which is acidic and polar, with asparagine, which is neutral and polar, at codon 304 of the FGFR2 protein (p.Asp304Asn). This variant is present in population databases (rs370877537, gnomAD 0.003%). This variant has not been reported in the literature in individuals affected with FGFR2-related conditions. ClinVar contains an entry for this variant (Variation ID: 566306). Invitae Evidence Modeling of protein sequence and biophysical properties (such as structural, functional, and spatial information, amino acid conservation, physicochemical variation, residue mobility, and thermodynamic stability) indicates that this missense variant is not expected to disrupt FGFR2 protein function with a negative predictive value of 80%. In summary, the available evidence is currently insufficient to determine the role of this variant in disease. Therefore, it has been classified as a Variant of Uncertain Significance.

Fulgent Genetics
Classification: Uncertain significance for Acrocephalosyndactyly type I; Saethre-Chotzen syndrome; Pfeiffer syndrome; Jackson-Weiss syndrome; Crouzon syndrome; Beare-Stevenson cutis gyrata syndrome; LADD syndrome 1; Antley-Bixler syndrome without genital anomalies or disordered steroidogenesis; Familial scaphocephaly syndrome, McGillivray type; Gastric cancer; Bent bone dysplasia syndrome 1. Last evaluated: 2021-12-07. Review status: criteria provided, single submitter. Criteria: ACMG Guidelines, 2015. Collection method: clinical testing. Allele origin: unknown.